The following is an entry in ClinVar:

ClinVar aggregate classification (germline): Uncertain significance (1 of 4 stars; one submission).

Conditions:
Long QT syndrome (LQTS). Identifiers: MedGen C0023976, MeSH D008133, MONDO:0002442. Disease mechanism: loss of function. Inheritance: Various modes of inheritance.

gnomAD v4.1: 1 of 1,613,266 alleles (0.000062%); highest among the groups gnomAD compares: South Asian, 0.0011%; no homozygotes.

Submission:

Labcorp Genetics (formerly Invitae), Labcorp
Classification: Uncertain significance for Long QT syndrome. Last evaluated: 2025-09-02. Review status: criteria provided, single submitter. Criteria: Invitae Variant Classification Sherloc (09022015). Collection method: clinical testing. Allele origin: germline.
Comment: This sequence change replaces isoleucine, which is neutral and non-polar, with valine, which is neutral and non-polar, at codon 1046 of the CACNA1C protein (p.Ile1046Val). This variant is not present in population databases (gnomAD no frequency). This variant has not been reported in the literature in individuals affected with CACNA1C-related conditions. Invitae Evidence Modeling of protein sequence and biophysical properties (such as structural, functional, and spatial information, amino acid conservation, physicochemical variation, residue mobility, and thermodynamic stability) has been performed for this missense variant. However, the output from this modeling did not meet the statistical confidence thresholds required to predict the impact of this variant on CACNA1C protein function. In summary, the available evidence is currently insufficient to determine the role of this variant in disease. Therefore, it has been classified as a Variant of Uncertain Significance.

NM_000719.7(CACNA1C):c.3136A>G (p.Ile1046Val)

Gene: CACNA1C (calcium voltage-gated channel subunit alpha1 C; plus strand). Cytogenetic location: 12p13.33.
Variant type: single nucleotide variant.
Coding change: c.3136A>G on transcript NM_000719.7 (MANE Select); coding-DNA position 3136, A replaced by G.
Protein change: p.Ile1046Val; replaces isoleucine 1046 with valine.
Molecular consequence: missense variant.
Genome position (GRCh38, 1-based): chr12:2,605,766, A>G. VCF-style: chr12-2605766-A-G. GRCh37 (hg19) VCF-style: chr12-2714932-A-G.
Other names: c.3136A>G, p.Ile1046Val (NM_001167624.3, NM_001167625.2, NM_001129838.2 and 15 more transcripts); c.3196A>G, p.Ile1066Val (NM_199460.4, NM_001129827.2, NM_001129832.2); c.3127A>G, p.Ile1043Val (NM_001129844.2); short protein forms I1043V, I1066V, I1046V.
Identifiers: ClinVar variation 4765870 (VCV004765870.1).